The following is an entry in ClinVar:

NM_012431.3(SEMA3E):c.1806T>C (p.Cys602=)

Gene: SEMA3E (semaphorin 3E; minus strand). Cytogenetic location: 7q21.11.
Variant type: single nucleotide variant.
Coding change: c.1806T>C on transcript NM_012431.3 (MANE Select); coding-DNA position 1806, T replaced by C.
Protein change: p.Cys602=; no amino-acid change (cysteine 602 retained).
Molecular consequence: synonymous variant.
Genome position (GRCh38, 1-based): chr7:83,385,363, A>G on the plus strand (T>C on the coding strand, the complement: SEMA3E is on the minus strand). VCF-style: chr7-83385363-A-G. GRCh37 (hg19) VCF-style: chr7-83014679-A-G.
Other names: c.1626T>C, p.Cys542= (NM_001178129.2); c.1806T>C (NM_012431.2).
Identifiers: ClinVar variation 2715343 (VCV002715343.4), dbSNP rs371092782, ClinGen allele CA4321897.

ClinVar aggregate classification (germline): Likely benign. Review status: criteria provided, single submitter (1 of 4 stars). 2 submissions from 2 submitters: Likely benign (1). 1 of the submissions does not count toward it. Last evaluated 2025-12-01.

Conditions:
SEMA3E-related disorder. Also called: SEMA3E-related condition.
CHARGE syndrome (CHARGE). Also called: Hittner Hirsch Kreh syndrome; CHARGE ASSOCIATION--COLOBOMA, HEART ANOMALY, CHOANAL ATRESIA, RETARDATION, GENITAL AND EAR ANOMALIES; Coloboma, heart anomaly, choanal atresia, retardation, genital and ear anomalies; CHARGE association; Hall-Hittner syndrome. Identifiers: Orphanet 138, MedGen C0265354, MONDO:0008965.

Allele frequency attached by ClinVar (database versions not stated): gnomAD 0.00002; gnomAD exomes 0.00003; ExAC 0.00005; TOPMed 0.00008; ESP Exome Variant Server 0.00015.
gnomAD v4.1: 46 of 1,613,484 alleles (0.0029%); highest among the groups gnomAD compares: Admixed American, 0.0033%; no homozygotes.

Submissions (2):

Labcorp Genetics (formerly Invitae), Labcorp
Classification: Likely benign for CHARGE syndrome. Last evaluated: 2025-12-01. Review status: criteria provided, single submitter. Criteria: Invitae Variant Classification Sherloc (09022015). Collection method: clinical testing. Allele origin: germline.

PreventionGenetics, part of Exact Sciences
Classification: Likely benign for SEMA3E-related condition. Last evaluated: 2024-07-15. Review status: no assertion criteria provided. Collection method: clinical testing. Allele origin: germline. Not counted in ClinVar's aggregate classification.
Comment: This variant is classified as likely benign based on ACMG/AMP sequence variant interpretation guidelines (Richards et al. 2015 PMID: 25741868, with internal and published modifications).